The following is an entry in ClinVar:

ClinVar aggregate classification (germline): Uncertain significance (1 of 4 stars; one submission).

Allele frequency attached by ClinVar (database versions not stated): TOPMed below 0.00001.

Submission:

Labcorp Genetics (formerly Invitae), Labcorp
Classification: Uncertain significance. Last evaluated: 2024-07-17. Review status: criteria provided, single submitter. Criteria: Invitae Variant Classification Sherloc (09022015). Collection method: clinical testing. Allele origin: germline.
Comment: This sequence change replaces alanine, which is neutral and non-polar, with threonine, which is neutral and polar, at codon 558 of the KIF11 protein (p.Ala558Thr). This variant is not present in population databases (gnomAD no frequency). This variant has not been reported in the literature in individuals affected with KIF11-related conditions. ClinVar contains an entry for this variant (Variation ID: 1375491). Advanced modeling of protein sequence and biophysical properties (such as structural, functional, and spatial information, amino acid conservation, physicochemical variation, residue mobility, and thermodynamic stability) performed at Invitae indicates that this missense variant is not expected to disrupt KIF11 protein function with a negative predictive value of 80%. In summary, the available evidence is currently insufficient to determine the role of this variant in disease. Therefore, it has been classified as a Variant of Uncertain Significance.

NM_004523.4(KIF11):c.1672G>A (p.Ala558Thr)

Gene: KIF11 (kinesin family member 11; plus strand). Cytogenetic location: 10q23.33.
Variant type: single nucleotide variant.
Coding change: c.1672G>A on transcript NM_004523.4 (MANE Select); coding-DNA position 1672, G replaced by A.
Protein change: p.Ala558Thr; replaces alanine 558 with threonine.
Molecular consequence: missense variant.
Genome position (GRCh38, 1-based): chr10:92,632,663, G>A. VCF-style: chr10-92632663-G-A. GRCh37 (hg19) VCF-style: chr10-94392420-G-A.
Other names: short protein forms A558T.
Identifiers: ClinVar variation 1375491 (VCV001375491.6), dbSNP rs1041100203, ClinGen allele CA211511671.